The following is an entry in ClinVar:

NM_001184.4(ATR):c.4580A>G (p.Tyr1527Cys)

Gene: ATR (ATR checkpoint kinase; minus strand). Cytogenetic location: 3q23.
Variant type: single nucleotide variant.
Coding change: c.4580A>G on transcript NM_001184.4 (MANE Select); coding-DNA position 4580, A replaced by G.
Protein change: p.Tyr1527Cys; replaces tyrosine 1527 with cysteine.
Molecular consequence: missense variant.
Genome position (GRCh38, 1-based): chr3:142,513,562, T>C on the plus strand (A>G on the coding strand, the complement: ATR is on the minus strand). VCF-style: chr3-142513562-T-C. GRCh37 (hg19) VCF-style: chr3-142232404-T-C.
Other names: c.4388A>G, p.Tyr1463Cys (NM_001354579.2); short protein forms Y1463C, Y1527C.
Identifiers: ClinVar variation 1005535 (VCV001005535.5), dbSNP rs775209750, ClinGen allele CA2649814.
Genomic context (GRCh38, chr3:142,513,562, plus strand): 5'-TCCTGCTGATCTTCTTGATTACAACCCAGTAAGACATACACCAGAATATGTGGAAGAAGA[T>C]AGATGGTCACTTTGAAATCATGCTTCATCATAATGCTACAGCAGGTGAAAATTTTACTGG-3'
Protein context (NP_001175.2, residues 1517-1537): MMKHDFKVTI[Tyr1527Cys]LLPHILVYVL

ClinVar aggregate classification (germline): Uncertain significance (1 of 4 stars; one submission).

Allele frequency attached by ClinVar (database versions not stated): TOPMed below 0.00001; gnomAD 0.00001; gnomAD exomes 0.00001 and 0.00003; ExAC 0.00004.
gnomAD v4.1: 16 of 1,613,134 alleles (0.00099%); highest among the groups gnomAD compares: South Asian, 0.0033%; no homozygotes.

Submission:

Labcorp Genetics (formerly Invitae), Labcorp
Classification: Uncertain significance. Last evaluated: 2024-10-15. Review status: criteria provided, single submitter. Criteria: Invitae Variant Classification Sherloc (09022015). Collection method: clinical testing. Allele origin: germline.
Comment: This sequence change replaces tyrosine, which is neutral and polar, with cysteine, which is neutral and slightly polar, at codon 1527 of the ATR protein (p.Tyr1527Cys). This variant is present in population databases (rs775209750, gnomAD 0.01%). This variant has not been reported in the literature in individuals affected with ATR-related conditions. ClinVar contains an entry for this variant (Variation ID: 1005535). An algorithm developed to predict the effect of missense changes on protein structure and function (PolyPhen-2) suggests that this variant is likely to be disruptive. In summary, the available evidence is currently insufficient to determine the role of this variant in disease. Therefore, it has been classified as a Variant of Uncertain Significance.